The following is an entry in ClinVar:

NM_001113378.2(FANCI):c.1564C>A (p.Arg522=)

Gene: FANCI (FA complementation group I; plus strand). Cytogenetic location: 15q26.1.
Variant type: single nucleotide variant.
Coding change: c.1564C>A on transcript NM_001113378.2 (MANE Select); coding-DNA position 1564, C replaced by A.
Protein change: p.Arg522=; no amino-acid change (arginine 522 retained).
Molecular consequence: synonymous variant.
Genome position (GRCh38, 1-based): chr15:89,281,816, C>A. VCF-style: chr15-89281816-C-A. GRCh37 (hg19) VCF-style: chr15-89825047-C-A.
Other names: c.1285C>A, p.Arg429= (NM_001376910.1); c.1564C>A, p.Arg522= (NM_001376911.1, NM_018193.3).
Identifiers: ClinVar variation 408235 (VCV000408235.6), dbSNP rs371568506, ClinGen allele CA16614513.

ClinVar aggregate classification (germline): Uncertain significance (1 of 4 stars; one submission).

Conditions:
Fanconi anemia (FA). Also called: Fanconi's anemia. Identifiers: Orphanet 84, MedGen C0015625, MeSH D005199, MONDO:0019391.

Submission:

Labcorp Genetics (formerly Invitae), Labcorp
Classification: Uncertain significance for Fanconi anemia. Last evaluated: 2021-08-31. Review status: criteria provided, single submitter. Criteria: Invitae Variant Classification Sherloc (09022015). Collection method: clinical testing. Allele origin: germline.
Comment: This sequence change affects codon 522 of the FANCI mRNA. It is a 'silent' change, meaning that it does not change the encoded amino acid sequence of the FANCI protein. This variant is not present in population databases (ExAC no frequency). This variant has not been reported in the literature in individuals affected with FANCI-related conditions. Algorithms developed to predict the effect of sequence changes on RNA splicing suggest that this variant may create or strengthen a splice site. In summary, the available evidence is currently insufficient to determine the role of this variant in disease. Therefore, it has been classified as a Variant of Uncertain Significance.